The following is an entry in ClinVar:

NM_032808.7(LINGO1):c.1713C>T (p.Val571=)

Gene: LINGO1 (leucine rich repeat and Ig domain containing 1; minus strand). Cytogenetic location: 15q24.3.
Variant type: single nucleotide variant.
Coding change: c.1713C>T on transcript NM_032808.7 (MANE Select); coding-DNA position 1713, C replaced by T.
Protein change: p.Val571=; no amino-acid change (valine 571 retained).
Molecular consequence: synonymous variant.
Genome position (GRCh38, 1-based): chr15:77,614,194, G>A on the plus strand (C>T on the coding strand, the complement: LINGO1 is on the minus strand). VCF-style: chr15-77614194-G-A. GRCh37 (hg19) VCF-style: chr15-77906536-G-A.
Other names: c.1695C>T, p.Val565= (NM_001301186.2, NM_001301187.2, NM_001301189.2 and 8 more transcripts).
Identifiers: ClinVar variation 3341586 (VCV003341586.16).

ClinVar aggregate classification (germline): Likely benign (1 of 4 stars; one submission).

gnomAD v4.1: 753 of 1,614,022 alleles (0.047%); highest among the groups gnomAD compares: East Asian, 1.5%; 9 homozygotes.

Submission:

CeGaT Center for Human Genetics Tuebingen
Classification: Likely benign. Last evaluated: 2026-03-01. Review status: criteria provided, single submitter. Criteria: CeGaT Center For Human Genetics Tuebingen Variant Classification Criteria Version 2. Collection method: clinical testing. Allele origin: germline. Affected: yes. Observed: 2 variant alleles.
Comment: LINGO1: BP4, BP7, BS1